The following is an entry in ClinVar:

ClinVar aggregate classification (germline): Uncertain significance. Review status: criteria provided, multiple submitters, no conflicts (2 of 4 stars). 2 submissions from 2 submitters: Uncertain significance (2). Last evaluated 2022-05-26.

Allele frequency attached by ClinVar (database versions not stated): gnomAD exomes 0.00001.
gnomAD v4.1: 8 of 1,614,100 alleles (0.0005%); highest among the groups gnomAD compares: African/African-American, 0.008%; no homozygotes.

Submissions (2):

Mayo Clinic Laboratories, Mayo Clinic
Classification: Uncertain significance. Last evaluated: 2022-05-26. Review status: criteria provided, single submitter. Criteria: ACMG Guidelines, 2015. Collection method: clinical testing. Allele origin: germline. Observed: 1 variant allele.
Comment: PM2

CeGaT Center for Human Genetics Tuebingen
Classification: Uncertain significance. Last evaluated: 2016-11-01. Review status: criteria provided, single submitter. Criteria: CeGaT Center For Human Genetics Tuebingen Variant Classification Criteria Version 2. Collection method: clinical testing. Allele origin: germline. Affected: yes. Observed: 1 variant allele.

NM_001267550.2(TTN):c.1054G>A (p.Ala352Thr)

Gene: TTN (titin; minus strand). Cytogenetic location: 2q31.2.
Variant type: single nucleotide variant.
Coding change: c.1054G>A on transcript NM_001267550.2 (MANE Select); coding-DNA position 1054, G replaced by A.
Protein change: p.Ala352Thr; replaces alanine 352 with threonine.
Molecular consequence: missense variant.
Genome position (GRCh38, 1-based): chr2:178,795,113, C>T on the plus strand (G>A on the coding strand, the complement: TTN is on the minus strand). VCF-style: chr2-178795113-C-T. GRCh37 (hg19) VCF-style: chr2-179659840-C-T.
Other names: p.Ala352Thr; c.1054G>A, p.Ala352Thr (NM_001256850.1, NM_003319.4, NM_133378.4 and 3 more transcripts); short protein forms A352T.
Identifiers: ClinVar variation 425250 (VCV000425250.44), dbSNP rs113324330, ClinGen allele CA16621783.